The following is an entry in ClinVar:

NM_001127178.3(PIGG):c.1933G>A (p.Val645Met)

Gene: PIGG (phosphatidylinositol glycan anchor biosynthesis class G (EMM blood group); plus strand). Cytogenetic location: 4p16.3.
Variant type: single nucleotide variant.
Coding change: c.1933G>A on transcript NM_001127178.3 (MANE Select); coding-DNA position 1933, G replaced by A.
Protein change: p.Val645Met; replaces valine 645 with methionine.
Molecular consequence: missense variant. On other transcripts: non-coding transcript variant (6).
Genome position (GRCh38, 1-based): chr4:523,777, G>A. VCF-style: chr4-523777-G-A. GRCh37 (hg19) VCF-style: chr4-517566-G-A.
Other names: c.1666G>A, p.Val556Met (NM_001289051.2, NM_001345986.2); c.1534G>A, p.Val512Met (NM_001289052.2); c.1642G>A, p.Val548Met (NM_001345987.2); c.904G>A, p.Val302Met (NM_001345988.2); c.400G>A, p.Val134Met (NM_001345990.2, NM_001345991.2); c.835G>A, p.Val279Met (NM_001345994.2); c.1909G>A, p.Val637Met (NM_017733.5); short protein forms V134M, V279M, V556M, V645M, V512M, V548M, V302M, V637M.
Identifiers: ClinVar variation 2200508 (VCV002200508.1), dbSNP rs142545574, ClinGen allele CA2793485.
Genomic context (GRCh38, chr4:523,777, plus strand): 5'-GGGCCTGGCTGTGATGTCCTGGAGCGAGACAAAGGCCACGGAAGCCCCTCTACCTCCGAA[G>A]TGCTCAGAGGCCGCGAGAAGTGGATGGTGCTGGCCAGTCCGTGGCTAATACTGGCCTGCT-3'
Protein context (NP_001120650.1, residues 635-655): KGHGSPSTSE[Val645Met]LRGREKWMVL

ClinVar aggregate classification (germline): Uncertain significance (1 of 4 stars; one submission).

Conditions:
Intellectual disability, autosomal recessive 53 (NEDHSCA). Also called: NEURODEVELOPMENTAL DISORDER WITH OR WITHOUT HYPOTONIA, SEIZURES, AND CEREBELLAR ATROPHY; GLYCOSYLPHOSPHATIDYLINOSITOL BIOSYNTHESIS DEFECT 13; Mental retardation, autosomal recessive 53. Identifiers: Orphanet 488635, MedGen C4310794, MONDO:0014832, OMIM 616917.

Allele frequency attached by ClinVar (database versions not stated): gnomAD 0.00009; ESP Exome Variant Server 0.00015.

Submission:

Labcorp Genetics (formerly Invitae), Labcorp
Classification: Uncertain significance for Intellectual disability, autosomal recessive 53. Last evaluated: 2022-07-01. Review status: criteria provided, single submitter. Criteria: Invitae Variant Classification Sherloc (09022015). Collection method: clinical testing. Allele origin: germline.
Comment: This sequence change replaces valine, which is neutral and non-polar, with methionine, which is neutral and non-polar, at codon 645 of the PIGG protein (p.Val645Met). This variant is present in population databases (rs142545574, gnomAD 0.03%). This variant has not been reported in the literature in individuals affected with PIGG-related conditions. Algorithms developed to predict the effect of missense changes on protein structure and function output the following: SIFT: "Tolerated"; PolyPhen-2: "Benign"; Align-GVGD: "Class C0". The methionine amino acid residue is found in multiple mammalian species, which suggests that this missense change does not adversely affect protein function. In summary, the available evidence is currently insufficient to determine the role of this variant in disease. Therefore, it has been classified as a Variant of Uncertain Significance.